The following is an entry in ClinVar:

ClinVar aggregate classification (germline): Uncertain significance. Review status: criteria provided, multiple submitters, no conflicts (2 of 4 stars). 2 submissions from 2 submitters: Uncertain significance (2). Last evaluated 2025-07-30.

Conditions:
Hereditary cancer-predisposing syndrome. Also called: Neoplastic Syndromes, Hereditary; Tumor predisposition; Hereditary Cancer Syndrome; Hereditary neoplastic syndrome. Identifiers: Orphanet 140162, MedGen C0027672, MeSH D009386, MONDO:0015356.
Oligodontia-cancer predisposition syndrome. Also called: TOOTH AGENESIS-COLORECTAL CANCER SYNDROME. Identifiers: Orphanet 300576, MedGen C1837750, MONDO:0012075, OMIM 608615. Disease mechanism: loss of function.

Allele frequency attached by ClinVar (database versions not stated): gnomAD exomes below 0.00001.
gnomAD v4.1: 5 of 1,614,204 alleles (0.00031%); highest among the groups gnomAD compares: African/African-American, 0.0013%; no homozygotes.

Submissions (2):

Labcorp Genetics (formerly Invitae), Labcorp
Classification: Uncertain significance for Oligodontia-cancer predisposition syndrome. Last evaluated: 2025-07-30. Review status: criteria provided, single submitter. Criteria: Invitae Variant Classification Sherloc (09022015). Collection method: clinical testing. Allele origin: germline.
Comment: This sequence change replaces proline, which is neutral and non-polar, with alanine, which is neutral and non-polar, at codon 364 of the AXIN2 protein (p.Pro364Ala). This variant is not present in population databases (gnomAD no frequency). This variant has not been reported in the literature in individuals affected with AXIN2-related conditions. ClinVar contains an entry for this variant (Variation ID: 649681). An algorithm developed to predict the effect of missense changes on protein structure and function (PolyPhen-2) suggests that this variant is likely to be disruptive. In summary, the available evidence is currently insufficient to determine the role of this variant in disease. Therefore, it has been classified as a Variant of Uncertain Significance.

Ambry Genetics
Classification: Uncertain significance for Hereditary cancer-predisposing syndrome. Last evaluated: 2022-05-21. Review status: criteria provided, single submitter. Criteria: Ambry Variant Classification Scheme 2023. Collection method: clinical testing. Allele origin: germline.
Comment: The p.P364A variant (also known as c.1090C>G), located in coding exon 4 of the AXIN2 gene, results from a C to G substitution at nucleotide position 1090. The proline at codon 364 is replaced by alanine, an amino acid with highly similar properties. This amino acid position is conserved. In addition, the in silico prediction for this alteration is inconclusive. Since supporting evidence is limited at this time, the clinical significance of this alteration remains unclear.

NM_004655.4(AXIN2):c.1090C>G (p.Pro364Ala)

Gene: AXIN2 (axin 2; minus strand). Cytogenetic location: 17q24.1.
Variant type: single nucleotide variant.
Coding change: c.1090C>G on transcript NM_004655.4 (MANE Select); coding-DNA position 1090, C replaced by G.
Protein change: p.Pro364Ala; replaces proline 364 with alanine.
Molecular consequence: missense variant.
Genome position (GRCh38, 1-based): chr17:65,538,313, G>C on the plus strand (C>G on the coding strand, the complement: AXIN2 is on the minus strand). VCF-style: chr17-65538313-G-C. GRCh37 (hg19) VCF-style: chr17-63534431-G-C.
Other names: c.1090C>G, p.Pro364Ala (NM_001363813.1); c.1090C>G (LRG_296t1); short protein forms P364A.
Identifiers: ClinVar variation 649681 (VCV000649681.13), dbSNP rs1567757528, ClinGen allele CA400678520.